The following is an entry in ClinVar:

ClinVar aggregate classification (germline): Uncertain significance (1 of 4 stars; one submission).

Conditions:
Cardiomyopathy (CMYO). Also called: Cardiomyopathies. Identifiers: Orphanet 167848, MedGen C0878544, MONDO:0004994, HP:0001638. Inheritance: Various modes of inheritance.

Submission:

Color Diagnostics, LLC DBA Color Health
Classification: Uncertain significance for Cardiomyopathy. Last evaluated: 2023-12-05. Review status: criteria provided, single submitter. Criteria: ACMG Guidelines, 2015. Collection method: clinical testing. Allele origin: germline.
Comment: Variant of Uncertain Significance due to insufficient evidence: This missense variant is located in the cytoplasmic domain of the RYR2 protein. Computational prediction tools and conservation analyses suggest that this variant may have deleterious impact on the protein function. Computational splicing tools suggest that this variant may not impact RNA splicing. To our knowledge, functional assays have not been performed for this variant nor has this variant been reported in individuals affected with cardiovascular disorders in the literature. This variant is rare in the general population and has been identified in 0/277264 chromosomes by the Genome Aggregation Database (gnomAD). Available evidence is insufficient to determine the pathogenicity of this variant conclusively.

NM_001035.3(RYR2):c.9410T>C (p.Leu3137Ser)

Gene: RYR2 (ryanodine receptor 2; plus strand). Cytogenetic location: 1q43.
Variant type: single nucleotide variant.
Coding change: c.9410T>C on transcript NM_001035.3 (MANE Select); coding-DNA position 9410, T replaced by C.
Protein change: p.Leu3137Ser; replaces leucine 3137 with serine.
Molecular consequence: missense variant.
Genome position (GRCh38, 1-based): chr1:237,702,020, T>C. VCF-style: chr1-237702020-T-C. GRCh37 (hg19) VCF-style: chr1-237865320-T-C.
Other names: c.9410T>C, p.Leu3137Ser (LRG_402t1); short protein forms L3137S.
Identifiers: ClinVar variation 629482 (VCV000629482.4), dbSNP rs1558249705, ClinGen allele CA345406374.